The following is an entry in ClinVar:

NM_022464.5(SIL1):c.849C>T (p.Leu283=)

Gene: SIL1 (SIL1 nucleotide exchange factor; minus strand). Cytogenetic location: 5q31.2.
Variant type: single nucleotide variant.
Coding change: c.849C>T on transcript NM_022464.5 (MANE Select); coding-DNA position 849, C replaced by T.
Protein change: p.Leu283=; no amino-acid change (leucine 283 retained).
Molecular consequence: synonymous variant.
Genome position (GRCh38, 1-based): chr5:138,951,803, G>A on the plus strand (C>T on the coding strand, the complement: SIL1 is on the minus strand). VCF-style: chr5-138951803-G-A. GRCh37 (hg19) VCF-style: chr5-138287492-G-A.
Other names: c.849C>T, p.Leu283= (NM_001037633.2).
Identifiers: ClinVar variation 198904 (VCV000198904.39), dbSNP rs372816951, ClinGen allele CA247800.

ClinVar aggregate classification (germline): Conflicting classifications of pathogenicity. Review status: criteria provided, conflicting classifications (1 of 4 stars). 4 submissions from 4 submitters: Uncertain significance (1); Likely benign (3). Last evaluated 2025-04-03.

Conditions:
Marinesco-Sjögren syndrome (MSS). Also called: Marinesco-SjÃ¶gren syndrome; Marinesco-Sjogren Syndrome. Identifiers: Orphanet 559, MedGen C0024814, MONDO:0009567, OMIM 248800.

Allele frequency attached by ClinVar (database versions not stated): gnomAD exomes 0.00003 and 0.00015; TOPMed 0.00006; ExAC 0.00007; gnomAD 0.00010 and 0.00011; 1000 Genomes Project 30x 0.00016; 1000 Genomes Project 0.00020; ESP Exome Variant Server 0.00031.
gnomAD v4.1: 248 of 1,614,084 alleles (0.015%); highest among the groups gnomAD compares: Non-Finnish European, 0.019%; no homozygotes.

Submissions (4):

Labcorp Genetics (formerly Invitae), Labcorp
Classification: Likely benign for Marinesco-Sjögren syndrome. Last evaluated: 2025-04-03. Review status: criteria provided, single submitter. Criteria: Invitae Variant Classification Sherloc (09022015). Collection method: clinical testing. Allele origin: germline.

CeGaT Center for Human Genetics Tuebingen
Classification: Likely benign. Last evaluated: 2024-07-01. Review status: criteria provided, single submitter. Criteria: CeGaT Center For Human Genetics Tuebingen Variant Classification Criteria Version 2. Collection method: clinical testing. Allele origin: germline. Affected: yes. Observed: 3 variant alleles.
Comment: SIL1: BP4, BP7

Athena Diagnostics
Classification: Likely benign. Last evaluated: 2024-01-26. Review status: criteria provided, single submitter. Criteria: Athena Diagnostics Criteria. Collection method: clinical testing. Allele origin: unknown.

Eurofins Ntd Llc (ga)
Classification: Uncertain significance. Last evaluated: 2014-07-08. Review status: criteria provided, single submitter. Criteria: EGL Classification Definitions 2015. Collection method: clinical testing. Allele origin: germline. Observed: 1 variant allele, 1 heterozygote.